The following is an entry in ClinVar:

ClinVar aggregate classification (germline): Likely benign. Review status: criteria provided, single submitter (1 of 4 stars). 2 submissions from 2 submitters: Likely benign (1). 1 of the submissions does not count toward it. Last evaluated 2025-11-24.

Conditions:
DOCK6-related disorder. Also called: DOCK6-related condition.

Allele frequency attached by ClinVar (database versions not stated): gnomAD 0.00001; gnomAD exomes 0.00003; ExAC 0.00008; TOPMed 0.00010.
gnomAD v4.1: 49 of 1,613,636 alleles (0.003%); highest among the groups gnomAD compares: Admixed American, 0.067%; no homozygotes.

Submissions (2):

Labcorp Genetics (formerly Invitae), Labcorp
Classification: Likely benign. Last evaluated: 2025-11-24. Review status: criteria provided, single submitter. Criteria: Invitae Variant Classification Sherloc (09022015). Collection method: clinical testing. Allele origin: germline.

PreventionGenetics, part of Exact Sciences
Classification: Likely benign for DOCK6-related condition. Last evaluated: 2019-06-24. Review status: no assertion criteria provided. Collection method: clinical testing. Allele origin: germline. Not counted in ClinVar's aggregate classification.
Comment: This variant is classified as likely benign based on ACMG/AMP sequence variant interpretation guidelines (Richards et al. 2015 PMID: 25741868, with internal and published modifications).

NM_020812.4(DOCK6):c.4986C>T (p.Asp1662=)

Genes: DOCK6 (dedicator of cytokinesis 6; minus strand), DOCK6-AS1 (DOCK6 antisense RNA 1; plus strand). Cytogenetic location: 19p13.2.
Variant type: single nucleotide variant.
Coding change: c.4986C>T on transcript NM_020812.4 (MANE Select); coding-DNA position 4986, C replaced by T.
Protein change: p.Asp1662=; no amino-acid change (aspartic acid 1662 retained).
Molecular consequence: synonymous variant.
Genome position (GRCh38, 1-based): chr19:11,208,788, G>A on the plus strand (C>T on the coding strand, the complement: DOCK6 is on the minus strand). VCF-style: chr19-11208788-G-A. GRCh37 (hg19) VCF-style: chr19-11319464-G-A.
Other names: c.4986C>T (NM_020812.3); c.5091C>T, p.Asp1697= (NM_001367830.1).
Identifiers: ClinVar variation 2081235 (VCV002081235.6), dbSNP rs754941054, ClinGen allele CA9206658.